The following is an entry in ClinVar:

ClinVar aggregate classification (germline): Conflicting classifications of pathogenicity. Review status: criteria provided, conflicting classifications (1 of 4 stars). 3 submissions from 3 submitters: Uncertain significance (1); Likely benign (1). 1 of the submissions does not count toward it. Last evaluated 2024-09-25.

Conditions:
Bloom syndrome (BLM). Also called: Bloom-Torre-Machacek syndrome. Identifiers: Orphanet 125, MedGen C0005859, MONDO:0008876, OMIM 210900.
Hereditary cancer-predisposing syndrome. Also called: Neoplastic Syndromes, Hereditary; Tumor predisposition; Hereditary Cancer Syndrome; Hereditary neoplastic syndrome. Identifiers: Orphanet 140162, MedGen C0027672, MeSH D009386, MONDO:0015356.

Allele frequency attached by ClinVar (database versions not stated): gnomAD 0.00001; TOPMed 0.00002.
gnomAD v4.1: 2 of 1,597,034 alleles (0.00013%); highest among the groups gnomAD compares: Admixed American, 0.0017%; no homozygotes.

Submissions (3):

Labcorp Genetics (formerly Invitae), Labcorp
Classification: Likely benign for Bloom syndrome. Last evaluated: 2024-09-25. Review status: criteria provided, single submitter. Criteria: Invitae Variant Classification Sherloc (09022015). Collection method: clinical testing. Allele origin: germline.

Ambry Genetics
Classification: Uncertain significance for Hereditary cancer-predisposing syndrome. Last evaluated: 2023-08-17. Review status: criteria provided, single submitter. Criteria: Ambry Variant Classification Scheme 2023. Collection method: clinical testing. Allele origin: germline.
Comment: The c.2308-5C>T intronic variant results from a C to T substitution 5 nucleotides upstream from coding exon 10 in the BLM gene. This nucleotide position is poorly conserved in available vertebrate species. In silico splice site analysis predicts that this alteration will not have any significant effect on splicing. Since supporting evidence is limited at this time, the clinical significance of this alteration remains unclear.

Natera, Inc.
Classification: Uncertain significance for Bloom syndrome. Last evaluated: 2020-09-16. Review status: no assertion criteria provided. Collection method: clinical testing. Allele origin: germline. Not counted in ClinVar's aggregate classification.

NM_000057.4(BLM):c.2308-5C>T

Gene: BLM (BLM RecQ like helicase; plus strand). Cytogenetic location: 15q26.1.
Variant type: single nucleotide variant.
Coding change: c.2308-5C>T on transcript NM_000057.4 (MANE Select); 5 bases into the intron before coding-DNA position 2308, C replaced by T.
Molecular consequence: intron variant.
Genome position (GRCh38, 1-based): chr15:90,769,128, C>T. VCF-style: chr15-90769128-C-T. GRCh37 (hg19) VCF-style: chr15-91312358-C-T.
Other names: c.2308-5C>T (NM_001287246.2, NM_001287247.2); c.1183-5C>T (NM_001287248.2).
Identifiers: ClinVar variation 821081 (VCV000821081.15), dbSNP rs957805754, ClinGen allele CA274743158.